The following is an entry in ClinVar:

NM_201384.3(PLEC):c.603G>A (p.Lys201=)

Gene: PLEC (plectin; minus strand). Cytogenetic location: 8q24.3.
Variant type: single nucleotide variant.
Coding change: c.603G>A on transcript NM_201384.3 (MANE Select); coding-DNA position 603, G replaced by A.
Protein change: p.Lys201=; no amino-acid change (lysine 201 retained).
Molecular consequence: synonymous variant.
Genome position (GRCh38, 1-based): chr8:143,935,313, C>T on the plus strand (G>A on the coding strand, the complement: PLEC is on the minus strand). VCF-style: chr8-143935313-C-T. GRCh37 (hg19) VCF-style: chr8-145009481-C-T.
Other names: c.684G>A, p.Lys228= (NM_000445.5, NM_001410941.1); c.561G>A, p.Lys187= (NM_201378.4); c.537G>A, p.Lys179= (NM_201379.3); c.1014G>A, p.Lys338= (NM_201380.4); c.507G>A, p.Lys169= (NM_201381.3); c.603G>A, p.Lys201= (NM_201382.4); c.615G>A, p.Lys205= (NM_201383.3).
Identifiers: ClinVar variation 2087799 (VCV002087799.4), dbSNP rs1587153261, ClinGen allele CA463536894.
Genomic context (GRCh38, chr8:143,935,313, plus strand): 5'-CTGGTCCAGGTTCTCCAGGTTGGTCTGCCGGTACACCTTGTTCATGTCGATGAGCAGGGG[C>T]CTGGGACAAGCAGGTGGCTGGTCAGGTGGGTGGGACAAGACCAGCGGCCACACCACACAG-3'
Protein context (NP_958786.1, residues 191-211): RLFNAIIHRH[Lys201=]PLLIDMNKVY

ClinVar aggregate classification (germline): Uncertain significance (1 of 4 stars; one submission).

Conditions:
Epidermolysis bullosa simplex 5C, with pyloric atresia (EBS5C). Also called: PLEC-Related Epidermolysis Bullosa with Pyloric Atresia; Epidermolysis bullosa simplex with pyloric atresia; PLEC1-Related Epidermolysis Bullosa with Pyloric Atresia. Identifiers: Orphanet 158684, MedGen C2677349, MONDO:0012807, OMIM 612138.
Epidermolysis bullosa simplex 5B, with muscular dystrophy (EBS5B). Also called: Epidermolysis bullosa simplex with muscular dystrophy; EPIDERMOLYSIS BULLOSA SIMPLEX AND LIMB-GIRDLE MUSCULAR DYSTROPHY. Identifiers: Orphanet 257, MedGen C2931072, MONDO:0009181, OMIM 226670.
Epidermolysis bullosa simplex, Ogna type (EBS5A). Also called: Pidermolysis bullosa simplex 5A, Ogna type; EPIDERMOLYSIS BULLOSA SIMPLEX 5A, OGNA TYPE. Identifiers: Orphanet 79401, MedGen C0432317, MONDO:0007555, OMIM 131950.
Autosomal recessive limb-girdle muscular dystrophy type 2Q (LGMDR17). Also called: MUSCULAR DYSTROPHY, LIMB-GIRDLE, AUTOSOMAL RECESSIVE 17. Identifiers: Orphanet 254361, MedGen C3150989, MONDO:0013390, OMIM 613723.
Epidermolysis bullosa simplex with nail dystrophy (EBS5D). Identifiers: MedGen C4225309, MONDO:0014661, OMIM 616487.

Allele frequency attached by ClinVar (database versions not stated): gnomAD 0.00001.

Submission:

Labcorp Genetics (formerly Invitae), Labcorp
Classification: Uncertain significance for Autosomal recessive limb-girdle muscular dystrophy type 2Q; Epidermolysis bullosa simplex, Ogna type; Epidermolysis bullosa simplex with nail dystrophy; Epidermolysis bullosa simplex 5C, with pyloric atresia; Epidermolysis bullosa simplex 5B, with muscular dystrophy. Last evaluated: 2022-05-28. Review status: criteria provided, single submitter. Criteria: Invitae Variant Classification Sherloc (09022015). Collection method: clinical testing. Allele origin: germline.
Comment: This sequence change affects codon 228 of the PLEC mRNA. It is a 'silent' change, meaning that it does not change the encoded amino acid sequence of the PLEC protein. It affects a nucleotide within the consensus splice site. This variant is not present in population databases (gnomAD no frequency). This variant has not been reported in the literature in individuals affected with PLEC-related conditions. Algorithms developed to predict the effect of sequence changes on RNA splicing suggest that this variant is not likely to affect RNA splicing. In summary, the available evidence is currently insufficient to determine the role of this variant in disease. Therefore, it has been classified as a Variant of Uncertain Significance.